The following is an entry in ClinVar:

NM_000397.4(CYBB):c.338-1G>C

Gene: CYBB (cytochrome b-245 beta chain; plus strand). Cytogenetic location: Xp21.1.
Variant type: single nucleotide variant.
Coding change: c.338-1G>C on transcript NM_000397.4 (MANE Select); the canonical splice acceptor site of the intron before coding-DNA position 338, G replaced by C.
Molecular consequence: splice acceptor variant.
Genome position (GRCh38, 1-based): chrX:37,793,664, G>C. VCF-style: chrX-37793664-G-C. GRCh37 (hg19) VCF-style: chrX-37652917-G-C.
Identifiers: ClinVar variation 1187535 (VCV001187535.2), dbSNP rs2146810198, ClinGen allele CA412974944.

ClinVar aggregate classification (germline): Pathogenic (1 of 4 stars; one submission).

Submission:

GeneDx
Classification: Pathogenic. Last evaluated: 2019-05-03. Review status: criteria provided, single submitter. Criteria: GeneDx Variant Classification Process June 2021. Collection method: clinical testing. Allele origin: germline. Affected: yes.
Comment: Canonical splice site variant in a gene for which loss-of-function is a known mechanism of disease; Not observed in large population cohorts (Lek et al., 2016); Has not been previously published as pathogenic or benign to our knowledge